The following is an entry in ClinVar:

ClinVar aggregate classification (germline): Uncertain significance (1 of 4 stars; one submission).

Submission:

Ambry Genetics
Classification: Uncertain significance. Last evaluated: 2024-08-03. Review status: criteria provided, single submitter. Criteria: Ambry Variant Classification Scheme 2023. Collection method: clinical testing. Allele origin: germline.
Comment: The p.H105R variant (also known as c.314A>G), located in coding exon 5 of the FAM175A gene, results from an A to G substitution at nucleotide position 314. The histidine at codon 105 is replaced by arginine, an amino acid with highly similar properties. This amino acid position is conserved. In addition, this alteration is predicted to be tolerated by in silico analysis. Based on the available evidence, the clinical significance of this variant remains unclear.

NM_139076.3(ABRAXAS1):c.314A>G (p.His105Arg)

Gene: ABRAXAS1 (abraxas 1, BRCA1 A complex subunit; minus strand). Cytogenetic location: 4q21.23.
Variant type: single nucleotide variant.
Coding change: c.314A>G on transcript NM_139076.3 (MANE Select); coding-DNA position 314, A replaced by G.
Protein change: p.His105Arg; replaces histidine 105 with arginine.
Molecular consequence: missense variant. On other transcripts: 5 prime UTR variant (1).
Genome position (GRCh38, 1-based): chr4:83,470,365, T>C on the plus strand (A>G on the coding strand, the complement: ABRAXAS1 is on the minus strand). VCF-style: chr4-83470365-T-C. GRCh37 (hg19) VCF-style: chr4-84391518-T-C.
Other names: c.-14A>G (NM_001345962.2); short protein forms H105R.
Identifiers: ClinVar variation 3446300 (VCV003446300.1).